The following is an entry in ClinVar:

ClinVar aggregate classification (germline): Pathogenic/Likely pathogenic. Review status: criteria provided, multiple submitters, no conflicts (2 of 4 stars). 2 submissions from 2 submitters: Pathogenic (1); Likely pathogenic (1). Last evaluated 2025-01-30.

Conditions:
Progressive familial intrahepatic cholestasis type 2. Identifiers: Orphanet 79304, MedGen C3489789, MONDO:0011156, OMIM 601847.

Allele frequency attached by ClinVar (database versions not stated): gnomAD exomes below 0.00001; TOPMed below 0.00001.
gnomAD v4.1: 1 of 1,611,442 alleles (0.000062%); highest among the groups gnomAD compares: Admixed American, 0.0017%; no homozygotes.

Submissions (2):

Broad Center for Mendelian Genomics, Broad Institute of MIT and Harvard
Classification: Likely pathogenic for Progressive familial intrahepatic cholestasis type 2. Last evaluated: 2025-01-30. Review status: criteria provided, single submitter. Criteria: ACMG Guidelines, 2015. Collection method: curation. Allele origin: germline. Inheritance: Autosomal recessive inheritance.
Comment: The p.Gln222Ter variant in ABCB11 has not been previously reported in the literature in individuals with BSEP deficiency, but has been identified in 0.002% (1/59720) of Latino/Admixed American chromosomes by the Genome Aggregation Database (gnomAD; dbSNP rs1292921760). Although this variant has been seen in the general population in a heterozygous state, its frequency is low enough to be consistent with a recessive carrier frequency. This variant has also been reported in ClinVar (Variation ID: 1451287) and has been interpreted as pathogenic by Invitae. This nonsense variant leads to a premature termination codon at position 222, which is predicted to lead to a truncated or absent protein. Loss of function of the ABCB11 gene is an established disease mechanism in autosomal recessive BSEP deficiency. In summary, although additional studies are required to fully establish its clinical significance, this variant is likely pathogenic for autosomal recessive BSEP deficiency. ACMG/AMP Criteria applied: PVS1, PM2_supporting (Richards 2015).

Labcorp Genetics (formerly Invitae), Labcorp
Classification: Pathogenic. Last evaluated: 2024-02-26. Review status: criteria provided, single submitter. Criteria: Invitae Variant Classification Sherloc (09022015). Collection method: clinical testing. Allele origin: germline.
Comment: This sequence change creates a premature translational stop signal (p.Gln222*) in the ABCB11 gene. It is expected to result in an absent or disrupted protein product. Loss-of-function variants in ABCB11 are known to be pathogenic (PMID: 18395098, 20232290). The frequency data for this variant in the population databases is considered unreliable, as metrics indicate poor data quality at this position in the gnomAD database. This variant has not been reported in the literature in individuals affected with ABCB11-related conditions. ClinVar contains an entry for this variant (Variation ID: 1451287). Algorithms developed to predict the effect of sequence changes on RNA splicing suggest that this variant may disrupt the consensus splice site. For these reasons, this variant has been classified as Pathogenic.

Literature cited by the submitters: PubMed 18395098 (cited by Labcorp Genetics (formerly Invitae), Labcorp); PubMed 20232290 (cited by Labcorp Genetics (formerly Invitae), Labcorp).

NM_003742.4(ABCB11):c.664C>T (p.Gln222Ter)

Gene: ABCB11 (ATP binding cassette subfamily B member 11; minus strand). Cytogenetic location: 2q31.1.
Variant type: single nucleotide variant.
Coding change: c.664C>T on transcript NM_003742.4 (MANE Select); coding-DNA position 664, C replaced by T.
Protein change: p.Gln222Ter; replaces glutamine 222 with a stop codon.
Molecular consequence: nonsense.
Genome position (GRCh38, 1-based): chr2:168,993,830, G>A on the plus strand (C>T on the coding strand, the complement: ABCB11 is on the minus strand). VCF-style: chr2-168993830-G-A. GRCh37 (hg19) VCF-style: chr2-169850340-G-A.
Other names: NM_003742.4(ABCB11):c.664C>T; p.Gln222Ter; short protein forms Q222*.
Identifiers: ClinVar variation 1451287 (VCV001451287.7), dbSNP rs1292921760, ClinGen allele CA349128979.
Genomic context (GRCh38, chr2:168,993,830, plus strand): 5'-TCAGTTTCCAACCCCTGAAAAATCCCAACAGGAAACCACAGATGGTCGAGGTCATGCGCT[G>A]AATGAAAAGGGCCATTTGGTCAGCTATGGCATCATTGATTTTATTAATATCACTAGAAAC-3'